The following is an entry in ClinVar:

NM_001379291.1(BRD4):c.2621G>C (p.Ser874Thr)

Gene: BRD4 (bromodomain containing 4; minus strand). Cytogenetic location: 19p13.12.
Variant type: single nucleotide variant.
Coding change: c.2621G>C on transcript NM_001379291.1 (MANE Select); coding-DNA position 2621, G replaced by C.
Protein change: p.Ser874Thr; replaces serine 874 with threonine.
Molecular consequence: missense variant.
Genome position (GRCh38, 1-based): chr19:15,243,448, C>G on the plus strand (G>C on the coding strand, the complement: BRD4 is on the minus strand). VCF-style: chr19-15243448-C-G. GRCh37 (hg19) VCF-style: chr19-15354259-C-G.
Other names: c.2621G>C, p.Ser874Thr (NM_058243.3); short protein forms S874T.
Identifiers: ClinVar variation 4765280 (VCV004765280.1).

ClinVar aggregate classification (germline): Uncertain significance (1 of 4 stars; one submission).

Submission:

Labcorp Genetics (formerly Invitae), Labcorp
Classification: Uncertain significance. Last evaluated: 2025-07-06. Review status: criteria provided, single submitter. Criteria: Invitae Variant Classification Sherloc (09022015). Collection method: clinical testing. Allele origin: germline.
Comment: This sequence change replaces serine, which is neutral and polar, with threonine, which is neutral and polar, at codon 874 of the BRD4 protein (p.Ser874Thr). This variant is not present in population databases (gnomAD no frequency). This variant has not been reported in the literature in individuals affected with BRD4-related conditions. An algorithm developed to predict the effect of missense changes on protein structure and function (PolyPhen-2) suggests that this variant is likely to be tolerated. In summary, the available evidence is currently insufficient to determine the role of this variant in disease. Therefore, it has been classified as a Variant of Uncertain Significance.